The following is an entry in ClinVar:

NM_139276.3(STAT3):c.1786G>T (p.Ala596Ser)

Gene: STAT3 (signal transducer and activator of transcription 3; minus strand). Cytogenetic location: 17q21.2.
Variant type: single nucleotide variant.
Coding change: c.1786G>T on transcript NM_139276.3 (MANE Select); coding-DNA position 1786, G replaced by T.
Protein change: p.Ala596Ser; replaces alanine 596 with serine.
Molecular consequence: missense variant.
Genome position (GRCh38, 1-based): chr17:42,323,106, C>A on the plus strand (G>T on the coding strand, the complement: STAT3 is on the minus strand). VCF-style: chr17-42323106-C-A. GRCh37 (hg19) VCF-style: chr17-40475124-C-A.
Other names: c.1786G>T, p.Ala596Ser (NM_001369512.1, NM_001369513.1, NM_001369514.1 and 9 more transcripts); c.1702G>T, p.Ala568Ser (NM_001384984.1); c.1708G>T, p.Ala570Ser (NM_001384985.1); c.1801G>T, p.Ala601Ser (NM_001384986.1, NM_001384990.1); c.1765G>T, p.Ala589Ser (NM_001384987.1); c.1690G>T, p.Ala564Ser (NM_001384989.1); c.1759G>T, p.Ala587Ser (NM_001384991.1); c.1726G>T, p.Ala576Ser (NM_001384992.1); short protein forms A564S, A568S, A570S, A576S, A587S, A589S, A596S, A601S.
Identifiers: ClinVar variation 3754347 (VCV003754347.2).
Genomic context (GRCh38, chr17:42,323,106, plus strand): 5'-CTTTGCTGCTTTCACTGAATCTTAGCAGGAAGGTGCCTGGAGGCTTAGTGCTCAAGATGG[C>A]CCGCTCCCGCTCCTTACTGATAAAGCCCATGATGTACCTGGAGCCAAGGAGGAGGAACAA-3'
Protein context (NP_644805.1, residues 586-606): MGFISKERER[Ala596Ser]ILSTKPPGTF

ClinVar aggregate classification (germline): Uncertain significance (1 of 4 stars; one submission).

Conditions:
Hyper-IgE recurrent infection syndrome 1, autosomal dominant. Also called: STAT3 Hyper IgE Syndrome; Hyper-IgE recurrent infection syndrome 1; JOB SYNDROME; Job's Syndrome; HYPER-IgE SYNDROME 1, AUTOSOMAL DOMINANT, WITH RECURRENT INFECTIONS. Identifiers: Orphanet 2314, MedGen C2936739, MONDO:0007818, OMIM 147060.
STAT3 gain of function. Identifiers: MedGen C4288261.

gnomAD v4.1: 1 of 1,614,176 alleles (0.000062%); highest among the groups gnomAD compares: Non-Finnish European, 0.000085%; no homozygotes.

Submission:

Labcorp Genetics (formerly Invitae), Labcorp
Classification: Uncertain significance for STAT3 gain of function; Hyper-IgE recurrent infection syndrome 1, autosomal dominant. Last evaluated: 2024-02-01. Review status: criteria provided, single submitter. Criteria: Invitae Variant Classification Sherloc (09022015). Collection method: clinical testing. Allele origin: germline.
Comment: This sequence change replaces alanine, which is neutral and non-polar, with serine, which is neutral and polar, at codon 596 of the STAT3 protein (p.Ala596Ser). This variant is not present in population databases (gnomAD no frequency). This variant has not been reported in the literature in individuals affected with STAT3-related conditions. Advanced modeling of protein sequence and biophysical properties (such as structural, functional, and spatial information, amino acid conservation, physicochemical variation, residue mobility, and thermodynamic stability) performed at Invitae indicates that this missense variant is not expected to disrupt STAT3 protein function with a negative predictive value of 80%. In summary, the available evidence is currently insufficient to determine the role of this variant in disease. Therefore, it has been classified as a Variant of Uncertain Significance.